The following is an entry in ClinVar:

ClinVar aggregate classification (germline): Uncertain significance. Review status: criteria provided, multiple submitters, no conflicts (2 of 4 stars). 2 submissions from 2 submitters: Uncertain significance (2). Last evaluated 2024-04-26.

Conditions:
Inborn genetic diseases. Identifiers: MedGen C0950123, MeSH D030342.

Allele frequency attached by ClinVar (database versions not stated): gnomAD 0.00003; TOPMed 0.00004; ExAC 0.00001.
gnomAD v4.1: 12 of 1,614,076 alleles (0.00074%); highest among the groups gnomAD compares: African/African-American, 0.013%; no homozygotes.

Submissions (2):

Ambry Genetics
Classification: Uncertain significance for Inborn genetic diseases. Last evaluated: 2024-04-26. Review status: criteria provided, single submitter. Criteria: Ambry Variant Classification Scheme 2023. Collection method: clinical testing. Allele origin: germline.

Labcorp Genetics (formerly Invitae), Labcorp
Classification: Uncertain significance. Last evaluated: 2022-05-21. Review status: criteria provided, single submitter. Criteria: Invitae Variant Classification Sherloc (09022015). Collection method: clinical testing. Allele origin: germline.
Comment: In summary, the available evidence is currently insufficient to determine the role of this variant in disease. Therefore, it has been classified as a Variant of Uncertain Significance. Algorithms developed to predict the effect of missense changes on protein structure and function are either unavailable or do not agree on the potential impact of this missense change (SIFT: "Not Available"; PolyPhen-2: "Benign"; Align-GVGD: "Not Available"). This variant has not been reported in the literature in individuals affected with ADAMTS18-related conditions. This variant is present in population databases (rs762778579, gnomAD 0.008%). This sequence change replaces glutamine, which is neutral and polar, with arginine, which is basic and polar, at codon 187 of the ADAMTS18 protein (p.Gln187Arg).

NM_199355.4(ADAMTS18):c.560A>G (p.Gln187Arg)

Gene: ADAMTS18 (ADAM metallopeptidase with thrombospondin type 1 motif 18; minus strand). Cytogenetic location: 16q23.1.
Variant type: single nucleotide variant.
Coding change: c.560A>G on transcript NM_199355.4 (MANE Select); coding-DNA position 560, A replaced by G.
Protein change: p.Gln187Arg; replaces glutamine 187 with arginine.
Molecular consequence: missense variant.
Genome position (GRCh38, 1-based): chr16:77,367,659, T>C on the plus strand (A>G on the coding strand, the complement: ADAMTS18 is on the minus strand). VCF-style: chr16-77367659-T-C. GRCh37 (hg19) VCF-style: chr16-77401556-T-C.
Other names: c.560A>G (NM_199355.2); c.40A>G, p.Arg14Gly (NM_001326358.2); short protein forms Q187R, R14G.
Identifiers: ClinVar variation 2072794 (VCV002072794.5), dbSNP rs762778579, ClinGen allele CA8181636.